The following is an entry in ClinVar:

NM_004230.4(S1PR2):c.995G>T (p.Ser332Ile)

Gene: S1PR2 (sphingosine-1-phosphate receptor 2; minus strand). Cytogenetic location: 19p13.2.
Variant type: single nucleotide variant.
Coding change: c.995G>T on transcript NM_004230.4 (MANE Select); coding-DNA position 995, G replaced by T.
Protein change: p.Ser332Ile; replaces serine 332 with isoleucine.
Molecular consequence: missense variant.
Genome position (GRCh38, 1-based): chr19:10,223,911, C>A on the plus strand (G>T on the coding strand, the complement: S1PR2 is on the minus strand). VCF-style: chr19-10223911-C-A. GRCh37 (hg19) VCF-style: chr19-10334587-C-A.
Other names: short protein forms S332I.
Identifiers: ClinVar variation 3897373 (VCV003897373.1).

ClinVar aggregate classification (germline): Uncertain significance (1 of 4 stars; one submission).

Submission:

GeneDx
Classification: Uncertain significance. Last evaluated: 2024-10-31. Review status: criteria provided, single submitter. Criteria: GeneDx Variant Classification Process June 2021. Collection method: clinical testing. Allele origin: germline. Affected: yes.
Comment: Not observed at significant frequency in large population cohorts (gnomAD); In silico analysis supports that this missense variant has a deleterious effect on protein structure/function; Has not been previously published as pathogenic or benign to our knowledge